The following is an entry in ClinVar:

NM_003079.5(SMARCE1):c.1043A>G (p.Glu348Gly)

Gene: SMARCE1 (SWI/SNF related BAF chromatin remodeling complex subunit E1; minus strand). Cytogenetic location: 17q21.2.
Variant type: single nucleotide variant.
Coding change: c.1043A>G on transcript NM_003079.5 (MANE Select); coding-DNA position 1043, A replaced by G.
Protein change: p.Glu348Gly; replaces glutamic acid 348 with glycine.
Molecular consequence: missense variant.
Genome position (GRCh38, 1-based): chr17:40,628,978, T>C on the plus strand (A>G on the coding strand, the complement: SMARCE1 is on the minus strand). VCF-style: chr17-40628978-T-C. GRCh37 (hg19) VCF-style: chr17-38785230-T-C.
Other names: short protein forms E348G.
Identifiers: ClinVar variation 840056 (VCV000840056.9), dbSNP rs2037063064, ClinGen allele CA399361780.

ClinVar aggregate classification (germline): Uncertain significance (1 of 4 stars; one submission).

Conditions:
Familial meningioma. Also called: Meningioma, familial, susceptibility to. Identifiers: Orphanet 263662, MedGen C3551915, MONDO:0011789, OMIM 607174.

Submission:

Labcorp Genetics (formerly Invitae), Labcorp
Classification: Uncertain significance for Familial meningioma. Last evaluated: 2023-08-04. Review status: criteria provided, single submitter. Criteria: Invitae Variant Classification Sherloc (09022015). Collection method: clinical testing. Allele origin: germline.
Comment: ClinVar contains an entry for this variant (Variation ID: 840056). Advanced modeling of protein sequence and biophysical properties (such as structural, functional, and spatial information, amino acid conservation, physicochemical variation, residue mobility, and thermodynamic stability) performed at Invitae indicates that this missense variant is not expected to disrupt SMARCE1 protein function. In summary, the available evidence is currently insufficient to determine the role of this variant in disease. Therefore, it has been classified as a Variant of Uncertain Significance. This variant has not been reported in the literature in individuals affected with SMARCE1-related conditions. This sequence change replaces glutamic acid, which is acidic and polar, with glycine, which is neutral and non-polar, at codon 348 of the SMARCE1 protein (p.Glu348Gly). This variant is not present in population databases (gnomAD no frequency).